The following is an entry in ClinVar:

NM_032656.4(DHX37):c.2060C>T (p.Ala687Val)

Gene: DHX37 (DEAH-box helicase 37; minus strand). Cytogenetic location: 12q24.31.
Variant type: single nucleotide variant.
Coding change: c.2060C>T on transcript NM_032656.4 (MANE Select); coding-DNA position 2060, C replaced by T.
Protein change: p.Ala687Val; replaces alanine 687 with valine.
Molecular consequence: missense variant.
Genome position (GRCh38, 1-based): chr12:124,960,409, G>A on the plus strand (C>T on the coding strand, the complement: DHX37 is on the minus strand). VCF-style: chr12-124960409-G-A. GRCh37 (hg19) VCF-style: chr12-125444955-G-A.
Other names: c.2060C>T (NM_032656.3); short protein forms A687V.
Identifiers: ClinVar variation 2076228 (VCV002076228.6), dbSNP rs1393503339, ClinGen allele CA6871776.

ClinVar aggregate classification (germline): Uncertain significance. Review status: criteria provided, multiple submitters, no conflicts (2 of 4 stars). 2 submissions from 2 submitters: Uncertain significance (2). Last evaluated 2023-01-25.

Conditions:
Inborn genetic diseases. Identifiers: MedGen C0950123, MeSH D030342.

Allele frequency attached by ClinVar (database versions not stated): gnomAD 0.00005; TOPMed 0.00004; gnomAD exomes 0.00002.

Submissions (2):

Ambry Genetics
Classification: Uncertain significance for Inborn genetic diseases. Last evaluated: 2023-01-25. Review status: criteria provided, single submitter. Criteria: Ambry Variant Classification Scheme 2023. Collection method: clinical testing. Allele origin: germline.

Labcorp Genetics (formerly Invitae), Labcorp
Classification: Uncertain significance. Last evaluated: 2022-04-07. Review status: criteria provided, single submitter. Criteria: Invitae Variant Classification Sherloc (09022015). Collection method: clinical testing. Allele origin: germline.
Comment: In summary, the available evidence is currently insufficient to determine the role of this variant in disease. Therefore, it has been classified as a Variant of Uncertain Significance. Algorithms developed to predict the effect of missense changes on protein structure and function (SIFT, PolyPhen-2, Align-GVGD) all suggest that this variant is likely to be disruptive. This variant has not been reported in the literature in individuals affected with DHX37-related conditions. This variant is present in population databases (no rsID available, gnomAD 0.01%). This sequence change replaces alanine, which is neutral and non-polar, with valine, which is neutral and non-polar, at codon 687 of the DHX37 protein (p.Ala687Val).